The following is an entry in ClinVar:

NC_000006.11:g.(?_88182712)_(88299760_?)del

Genes: RARS2 (arginyl-tRNA synthetase 2, mitochondrial; minus strand), SLC35A1 (solute carrier family 35 member A1; plus strand). Cytogenetic location: 6q15.
Variant type: Deletion.
Identifiers: ClinVar variation 1457540 (VCV001457540.4).

ClinVar aggregate classification (germline): Pathogenic (1 of 4 stars; one submission).

Submission:

Labcorp Genetics (formerly Invitae), Labcorp
Classification: Pathogenic. Last evaluated: 2022-09-22. Review status: criteria provided, single submitter. Criteria: Invitae Variant Classification Sherloc (09022015). Collection method: clinical testing. Allele origin: germline.
Comment: A gross deletion of the genomic region encompassing the full coding sequence of the RARS2 gene has been identified. Loss-of-function variants in RARS2 are known to be pathogenic (PMID: 17847012, 22569581, 26083569). The boundaries of this event are unknown as they extend beyond the assayed region for this gene and therefore may encompass additional genes. This variant has not been reported in the literature in individuals affected with RARS2-related conditions. For these reasons, this variant has been classified as Pathogenic.

Literature cited by the submitters: PubMed 17847012; PubMed 22569581; PubMed 26083569.